The following is an entry in ClinVar:

NM_000069.3(CACNA1S):c.542-13C>T

Gene: CACNA1S (calcium voltage-gated channel subunit alpha1 S; minus strand). Cytogenetic location: 1q32.1.
Variant type: single nucleotide variant.
Coding change: c.542-13C>T on transcript NM_000069.3 (MANE Select); 13 bases into the intron before coding-DNA position 542, C replaced by T.
Molecular consequence: intron variant.
Genome position (GRCh38, 1-based): chr1:201,091,805, G>A on the plus strand (C>T on the coding strand, the complement: CACNA1S is on the minus strand). VCF-style: chr1-201091805-G-A. GRCh37 (hg19) VCF-style: chr1-201060933-G-A.
Identifiers: ClinVar variation 873988 (VCV000873988.19), dbSNP rs199502458, ClinGen allele CA083863.
Genomic context (GRCh38, chr1:201,091,805, plus strand): 5'-AGAGGGGGAGCATGGCCTTGAAGATGGAGTTCAGGACCACCTGCAGGCCTGCAGAGGCAG[G>A]CAGGGAAGGGAAAAGAGGAGTCGCCTCTGCTTGGTCTCTTGGCCCTCCCTCCCTATAAAT-3'

ClinVar aggregate classification (germline): Benign/Likely benign. Review status: criteria provided, multiple submitters, no conflicts (2 of 4 stars). 10 submissions from 7 submitters: Benign (6); Likely benign (4). Last evaluated 2026-01-26.

Conditions:
Congenital myopathy 18. Also called: Myopathy, congenital, due to dihydropyridine receptor defect; DIHYDROPYRIDINE RECEPTOR CONGENITAL MYOPATHY; DHPR CONGENITAL MYOPATHY. Identifiers: MedGen C5830283, MONDO:0859514, OMIM 620246.
Hypokalemic periodic paralysis, type 1. Also called: Hypokalemic Periodic Paralysis Type 1 (AD); HypoPP. Identifiers: Orphanet 681, MedGen C3714580, MONDO:0042979, OMIM 170400.
Malignant hyperthermia, susceptibility to, 5 (MHS5). Also called: CACNA1S-Related Malignant Hyperthermia Susceptibility. Identifiers: Orphanet 423, MedGen C1866077, MONDO:0011163, OMIM 601887.
Thyrotoxic periodic paralysis, susceptibility to, 1 (TTPP1). Identifiers: Orphanet 79102, MedGen C2749982, MONDO:0008570, OMIM 188580.

Allele frequency attached by ClinVar (database versions not stated): ESP Exome Variant Server 0.00023; ExAC 0.00027; gnomAD 0.00029 and 0.00030; TOPMed 0.00034.
gnomAD v4.1: 455 of 1,611,600 alleles (0.028%); highest among the groups gnomAD compares: Non-Finnish European, 0.024%; no homozygotes.

Submissions (10):

Labcorp Genetics (formerly Invitae), Labcorp
Classification: Benign for Hypokalemic periodic paralysis, type 1; Malignant hyperthermia, susceptibility to, 5. Last evaluated: 2026-01-26. Review status: criteria provided, single submitter. Criteria: Invitae Variant Classification Sherloc (09022015). Collection method: clinical testing. Allele origin: germline.

Blueprint Genetics
Classification: Likely benign. Last evaluated: 2024-10-02. Review status: criteria provided, single submitter. Criteria: ACMG Guidelines, 2015. Collection method: clinical testing. Allele origin: germline.

All of Us Research Program, National Institutes of Health
Classification: Likely benign for Malignant hyperthermia, susceptibility to, 5. Last evaluated: 2024-02-05. Review status: criteria provided, single submitter. Criteria: ACMG Guidelines, 2015. Collection method: clinical testing. Allele origin: germline. Inheritance: Autosomal dominant inheritance. Observed: 118 variant alleles, 118 heterozygotes.
Comment: This study involves interpretation of variants in research participants for the purpose of population health screening. Participant phenotype was not available at the time of variant classification. Additional details can be found in publication PMID: 35346344, PMCID: PMC8962531

Genome-Nilou Lab
Classification: Benign for Malignant hyperthermia, susceptibility to, 5. Last evaluated: 2023-04-11. Review status: criteria provided, single submitter. Criteria: ACMG Guidelines, 2015. Collection method: clinical testing. Allele origin: germline. Affected: no.

Genome-Nilou Lab
Classification: Benign for Thyrotoxic periodic paralysis, susceptibility to, 1. Last evaluated: 2023-04-11. Review status: criteria provided, single submitter. Criteria: ACMG Guidelines, 2015. Collection method: clinical testing. Allele origin: germline. Affected: no.

Genome-Nilou Lab
Classification: Benign for Congenital myopathy 18. Last evaluated: 2023-04-11. Review status: criteria provided, single submitter. Criteria: ACMG Guidelines, 2015. Collection method: clinical testing. Allele origin: germline. Affected: no.

Genome-Nilou Lab
Classification: Benign for Hypokalemic periodic paralysis, type 1. Last evaluated: 2023-04-11. Review status: criteria provided, single submitter. Criteria: ACMG Guidelines, 2015. Collection method: clinical testing. Allele origin: germline. Affected: no.

Color Diagnostics, LLC DBA Color Health
Classification: Likely benign for Malignant hyperthermia, susceptibility to, 5. Last evaluated: 2022-09-20. Review status: criteria provided, single submitter. Criteria: ACMG Guidelines, 2015. Collection method: clinical testing. Allele origin: germline.

GeneDx
Classification: Likely benign. Last evaluated: 2020-09-03. Review status: criteria provided, single submitter. Criteria: GeneDx Variant Classification Process June 2021. Collection method: clinical testing. Allele origin: germline. Affected: yes.

Illumina Laboratory Services, Illumina
Classification: Benign for Hypokalemic periodic paralysis, type 1. Last evaluated: 2018-01-13. Review status: criteria provided, single submitter. Criteria: ICSL Variant Classification Criteria 13 December 2019. Collection method: clinical testing. Allele origin: germline.
Comment: This variant was observed in the ICSL laboratory as part of a predisposition screen in an ostensibly healthy population. It had not been previously curated by ICSL or reported in the Human Gene Mutation Database (HGMD: prior to June 1st, 2018), and was therefore a candidate for classification through an automated scoring system. Utilizing variant allele frequency, disease prevalence and penetrance estimates, and inheritance mode, an automated score was calculated to assess if this variant is too frequent to cause the disease. Based on the score and internal cut-off values, a variant classified as benign is not then subjected to further curation. The score for this variant resulted in a classification of benign for this disease.